The following is an entry in ClinVar:

NM_015690.5(STK36):c.1232A>T (p.Asn411Ile)

Gene: STK36 (serine/threonine kinase 36; plus strand). Cytogenetic location: 2q35.
Variant type: single nucleotide variant.
Coding change: c.1232A>T on transcript NM_015690.5 (MANE Select); coding-DNA position 1232, A replaced by T.
Protein change: p.Asn411Ile; replaces asparagine 411 with isoleucine.
Molecular consequence: missense variant.
Genome position (GRCh38, 1-based): chr2:218,680,698, A>T. VCF-style: chr2-218680698-A-T. GRCh37 (hg19) VCF-style: chr2-219545421-A-T.
Other names: c.1232A>T, p.Asn411Ile (NM_001243313.2, NM_001369423.1); short protein forms N411I.
Identifiers: ClinVar variation 1691312 (VCV001691312.4), dbSNP rs2106349072, ClinGen allele CA350657698.

ClinVar aggregate classification (germline): Uncertain significance (1 of 4 stars; one submission).

Conditions:
Ciliary dyskinesia, primary, 46. Identifiers: MedGen C5543646, MONDO:0030332, OMIM 619436.

Submission:

Diagnostics Services (NGS), CSIR - Centre For Cellular And Molecular Biology
Classification: Uncertain significance for Ciliary dyskinesia, primary, 46. Last evaluated: 2022-01-20. Review status: criteria provided, single submitter. Criteria: ACMG Guidelines, 2015. Collection method: clinical testing. Allele origin: unknown. Inheritance: Autosomal recessive inheritance. Affected: yes. Observed: 1 variant allele, 1 heterozygote.
Comment: The c.1232A>T variant is not present in publicly available population databases like 1000 Genomes, Exome Variant Server (EVS), Exome Aggregation Consortium (ExAC), Genome Aggregation Database (gnomAD), dbSNP and Indian Exome Database. The variant is also not present in our in-house exome database. The variant was not reported earlier to ClinVar, Human Genome Mutation Database (HGMD) and OMIM databases in any affected individuals. Predictions from different in-silico pathogenicity prediction programs like SIFT, PolyPhen-2, MutationTaster2, CADD, Varsome etc. are contradictory, however these predictions were not confirmed by any published functional studies.